The following is an entry in ClinVar:

ClinVar aggregate classification (germline): Benign. Review status: criteria provided, single submitter (1 of 4 stars). 2 submissions from 2 submitters: Benign (1). 1 of the submissions does not count toward it. Last evaluated 2019-12-31.

Conditions:
DMXL1-related disorder. Also called: DMXL1-related condition.

Allele frequency attached by ClinVar (database versions not stated): ESP Exome Variant Server 0.00015; gnomAD exomes 0.00109 and 0.00481; gnomAD 0.00190 and 0.00200; 1000 Genomes Project 0.00280; 1000 Genomes Project 30x 0.00297; ExAC 0.00357; TOPMed 0.00382.
gnomAD v4.1: 1,888 of 1,613,980 alleles (0.12%); highest among the groups gnomAD compares: Admixed American, 3%; 40 homozygotes.

Submissions (2):

Labcorp Genetics (formerly Invitae), Labcorp
Classification: Benign. Last evaluated: 2019-12-31. Review status: criteria provided, single submitter. Criteria: Invitae Variant Classification Sherloc (09022015). Collection method: clinical testing. Allele origin: germline.

PreventionGenetics, part of Exact Sciences
Classification: Benign for DMXL1-related condition. Last evaluated: 2019-02-26. Review status: no assertion criteria provided. Collection method: clinical testing. Allele origin: germline. Not counted in ClinVar's aggregate classification.
Comment: This variant is classified as benign based on ACMG/AMP sequence variant interpretation guidelines (Richards et al. 2015 PMID: 25741868, with internal and published modifications).

NM_001290321.3(DMXL1):c.4194A>G (p.Thr1398=)

Gene: DMXL1 (Dmx like 1; plus strand). Cytogenetic location: 5q23.1.
Variant type: single nucleotide variant.
Coding change: c.4194A>G on transcript NM_001290321.3 (MANE Select); coding-DNA position 4194, A replaced by G.
Protein change: p.Thr1398=; no amino-acid change (threonine 1398 retained).
Molecular consequence: synonymous variant. On other transcripts: non-coding transcript variant (3).
Genome position (GRCh38, 1-based): chr5:119,150,021, A>G. VCF-style: chr5-119150021-A-G. GRCh37 (hg19) VCF-style: chr5-118485716-A-G.
Other names: c.4194A>G, p.Thr1398= (NM_001349239.2, NM_001349240.2, NM_001387933.1 and 2 more transcripts); c.3489A>G, p.Thr1163= (NM_001387937.1); c.3207A>G, p.Thr1069= (NM_001387938.1); c.4194A>G (NM_001290321.2).
Identifiers: ClinVar variation 778335 (VCV000778335.6), dbSNP rs140753662, ClinGen allele CA3380057.
Genomic context (GRCh38, chr5:119,150,021, plus strand): 5'-TAGTGGAAGCACTACCAGAGACCCCCAGGCATTCAACAAGGCTGAAAATACAGATTACAC[A>G]GAAATAGATTCTGTTCCTCCACTTCCTTTATATGCCTTACTTGCAGCAGATGATGATAGC-3'
Protein context (NP_001277250.1, residues 1388-1408): AFNKAENTDY[Thr1398=]EIDSVPPLPL